The following is an entry in ClinVar:

NM_000077.5(CDKN2A):c.207G>T (p.Glu69Asp)

Gene: CDKN2A (cyclin dependent kinase inhibitor 2A; minus strand). Cytogenetic location: 9p21.3.
Variant type: single nucleotide variant.
Coding change: c.207G>T on transcript NM_000077.5; coding-DNA position 207, G replaced by T.
Protein change: p.Glu69Asp; replaces glutamic acid 69 with aspartic acid.
Molecular consequence: missense variant (on NM_000077.6). On other transcripts: 3 prime UTR variant (1).
Genome position (GRCh38, 1-based): chr9:21,971,152, C>A on the plus strand (G>T on the coding strand, the complement: CDKN2A is on the minus strand). VCF-style: chr9-21971152-C-A. GRCh37 (hg19) VCF-style: chr9-21971151-C-A.
Other names: c.207G>T, p.Glu69Asp (NM_000077.6, NM_001195132.2); c.54G>T, p.Glu18Asp (NM_001363763.2); c.250G>T, p.Ala84Ser (NM_058195.4); c.*130G>T (NM_058197.5); short protein forms A84S, E18D, E69D.
Identifiers: ClinVar variation 1052397 (VCV001052397.11), dbSNP rs1587332220, ClinGen allele CA373086329.

ClinVar aggregate classification (germline): Uncertain significance. Review status: criteria provided, multiple submitters, no conflicts (2 of 4 stars). 2 submissions from 2 submitters: Uncertain significance (2). Last evaluated 2020-11-05.

Conditions:
Hereditary cancer-predisposing syndrome. Also called: Hereditary Cancer Syndrome; Tumor predisposition; Hereditary neoplastic syndrome; Neoplastic Syndromes, Hereditary. Identifiers: Orphanet 140162, MedGen C0027672, MeSH D009386, MONDO:0015356.
Familial melanoma. Also called: Hereditary melanoma; Hereditary cutaneous melanoma. Identifiers: Orphanet 618, MedGen C1512419, MONDO:0018961.

Submissions (2):

Ambry Genetics
Classification: Uncertain significance for Hereditary cancer-predisposing syndrome. Last evaluated: 2020-11-05. Review status: criteria provided, single submitter. Criteria: Ambry Variant Classification Scheme 2023. Collection method: clinical testing. Allele origin: germline.
Comment: The p.E69D variant (also known as c.207G>T), located in coding exon 2 of the CDKN2A gene, results from a G to T substitution at nucleotide position 207. The glutamic acid at codon 69 is replaced by aspartic acid, an amino acid with highly similar properties. This amino acid position is not well conserved in available vertebrate species, and aspartic acid is the reference amino acid in other vertebrate species. In addition, this alteration is predicted to be tolerated by in silico analysis. Since supporting evidence is limited at this time, the clinical significance of this alteration remains unclear.

Labcorp Genetics (formerly Invitae), Labcorp
Classification: Uncertain significance for Familial melanoma. Last evaluated: 2020-02-27. Review status: criteria provided, single submitter. Criteria: Invitae Variant Classification Sherloc (09022015). Collection method: clinical testing. Allele origin: germline.
Comment: This sequence change replaces glutamic acid with aspartic acid at codon 69 of the p16INK4a protein (p.Glu69Asp). The glutamic acid residue is weakly conserved and there is a small physicochemical difference between glutamic acid and aspartic acid. Alternatively, this sequence change replaces alanine with serine at codon 84 of the p14ARF protein (p.Ala84Ser). The alanine residue is weakly conserved and there is a moderate physicochemical difference between alanine and serine. This variant is not present in population databases (ExAC no frequency). This variant has not been reported in the literature in individuals with CDKN2A (p16INK4a)-related conditions. Algorithms developed to predict the effect of missense changes on protein structure and function (SIFT, PolyPhen-2, Align-GVGD) all suggest that p.Glu69Asp in p16INK4a and p.Ala84Ser in p14ARF are likely to be tolerated. The aspartic acid amino acid residue of the p16INK4 variant is found in multiple mammalian species, suggesting that this missense change does not adversely affect protein function. These predictions have not been confirmed by published functional studies and their clinical significance is uncertain. In summary, the available evidence is currently insufficient to determine the role of this variant in disease. Therefore, it has been classified as a Variant of Uncertain Significance. The CDKN2A gene encodes two different proteins, p16INK4a and p14ARF, which are translated from alternative transcripts that have different open reading frames.